The following is an entry in ClinVar:

ClinVar aggregate classification (germline): Uncertain significance (1 of 4 stars; one submission).

Conditions:
Hereditary cancer-predisposing syndrome. Also called: Neoplastic Syndromes, Hereditary; Hereditary neoplastic syndrome; Tumor predisposition; Hereditary Cancer Syndrome. Identifiers: Orphanet 140162, MedGen C0027672, MeSH D009386, MONDO:0015356.

Submission:

Color Diagnostics, LLC DBA Color Health
Classification: Uncertain significance for Hereditary cancer-predisposing syndrome. Last evaluated: 2025-07-07. Review status: criteria provided, single submitter. Criteria: ACMG Guidelines, 2015. Collection method: clinical testing. Allele origin: germline.
Comment: This variant causes a deletion of 32 nucleotides in intron 15 of the BRCA2 gene. To our knowledge, functional studies have not been reported for this variant. This variant has not been reported in individuals affected with BRCA2-related disorders in the literature. This variant has not been identified in the general population by the Genome Aggregation Database (gnomAD). The available evidence is insufficient to determine the role of this variant in disease conclusively. Therefore, this variant is classified as a Variant of Uncertain Significance.

NM_000059.4(BRCA2):c.7618-211_7618-180del

Gene: BRCA2 (BRCA2 DNA repair associated; plus strand). Cytogenetic location: 13q13.1.
Variant type: Deletion.
Coding change: c.7618-211_7618-180del on transcript NM_000059.4 (MANE Select); 211 bases into the intron before coding-DNA position 7618 through 180 bases into the intron before coding-DNA position 7618, 32 bases deleted.
Molecular consequence: intron variant.
Genome position (GRCh38, 1-based): chr13:32,357,531-32,357,562, 32 bases deleted. GRCh37 (hg19): chr13:32,931,668-32,931,699.
Other names: c.7618-211_7618-180del (NM_001432077.1, NM_001406720.1); c.7522-211_7522-180del (NM_001406719.1); c.2686-211_2686-180del (NM_001406721.1); c.1201-211_1201-180del (NM_001406722.1).
Identifiers: ClinVar variation 4758656 (VCV004758656.1).